The following is an entry in ClinVar:

NM_020191.4(MRPS22):c.617C>T (p.Thr206Ile)

Gene: MRPS22 (mitochondrial ribosomal protein S22; plus strand). Cytogenetic location: 3q23.
Variant type: single nucleotide variant.
Coding change: c.617C>T on transcript NM_020191.4 (MANE Select); coding-DNA position 617, C replaced by T.
Protein change: p.Thr206Ile; replaces threonine 206 with isoleucine.
Molecular consequence: missense variant.
Genome position (GRCh38, 1-based): chr3:139,350,291, C>T. VCF-style: chr3-139350291-C-T. GRCh37 (hg19) VCF-style: chr3-139069133-C-T.
Other names: c.494C>T, p.Thr165Ile (NM_001363857.1); c.614C>T, p.Thr205Ile (NM_001363893.1); short protein forms T206I, T165I, T205I.
Identifiers: ClinVar variation 214683 (VCV000214683.57), dbSNP rs76148008, ClinGen allele CA320541.

ClinVar aggregate classification (germline): Conflicting classifications of pathogenicity. Review status: criteria provided, conflicting classifications (1 of 4 stars). 7 submissions from 7 submitters: Uncertain significance (1); Likely benign (4). 2 of the submissions do not count toward it. Last evaluated 2026-08-01.

Conditions:
MRPS22-related disorder. Also called: MRPS22-related condition.
Hypotonia with lactic acidemia and hyperammonemia. Identifiers: Orphanet 137908, MedGen C2673642, MONDO:0012718, OMIM 611719.

Allele frequency attached by ClinVar (database versions not stated): 1000 Genomes Project 30x 0.00094; 1000 Genomes Project 0.00100; TOPMed 0.00147; ESP Exome Variant Server 0.00154; gnomAD 0.00160 and 0.00163; gnomAD exomes 0.00174 and 0.00277; ExAC 0.00194.
gnomAD v4.1: 4,304 of 1,614,080 alleles (0.27%); highest among the groups gnomAD compares: Non-Finnish European, 0.32%; 4 homozygotes.

Submissions (7):

CeGaT Center for Human Genetics Tuebingen
Classification: Likely benign. Last evaluated: 2026-08-01. Review status: criteria provided, single submitter. Criteria: CeGaT Center For Human Genetics Tuebingen Variant Classification Criteria Version 2. Collection method: clinical testing. Allele origin: germline. Affected: yes. Observed: 3 variant alleles.
Comment: MRPS22: BP4, BS2

Labcorp Genetics (formerly Invitae), Labcorp
Classification: Likely benign. Last evaluated: 2025-12-03. Review status: criteria provided, single submitter. Criteria: Invitae Variant Classification Sherloc (09022015). Collection method: clinical testing. Allele origin: germline.

Blueprint Genetics
Classification: Likely benign. Last evaluated: 2024-10-28. Review status: criteria provided, single submitter. Criteria: ACMG Guidelines, 2015. Collection method: clinical testing. Allele origin: germline.

GeneDx
Classification: Likely benign. Last evaluated: 2020-10-17. Review status: criteria provided, single submitter. Criteria: GeneDx Variant Classification Process June 2021. Collection method: clinical testing. Allele origin: germline. Affected: yes.

Illumina Laboratory Services, Illumina
Classification: Uncertain significance for Hypotonia with lactic acidemia and hyperammonemia. Last evaluated: 2018-01-12. Review status: criteria provided, single submitter. Criteria: ICSL Variant Classification Criteria 13 December 2019. Collection method: clinical testing. Allele origin: germline.

PreventionGenetics, part of Exact Sciences
Classification: Likely benign for MRPS22-related condition. Last evaluated: 2021-01-06. Review status: no assertion criteria provided. Collection method: clinical testing. Allele origin: germline. Not counted in ClinVar's aggregate classification.
Comment: This variant is classified as likely benign based on ACMG/AMP sequence variant interpretation guidelines (Richards et al. 2015 PMID: 25741868, with internal and published modifications).

Mayo Clinic Laboratories, Mayo Clinic
Classification: Uncertain significance. Last evaluated: 2016-02-25. Review status: no assertion criteria provided. Collection method: clinical testing. Allele origin: unknown. Not counted in ClinVar's aggregate classification.